The following is an entry in ClinVar:

NM_015378.4(VPS13D):c.296A>G (p.Asp99Gly)

Gene: VPS13D (vacuolar protein sorting 13 homolog D; plus strand). Cytogenetic location: 1p36.22.
Variant type: single nucleotide variant.
Coding change: c.296A>G on transcript NM_015378.4 (MANE Select); coding-DNA position 296, A replaced by G.
Protein change: p.Asp99Gly; replaces aspartic acid 99 with glycine.
Molecular consequence: missense variant.
Genome position (GRCh38, 1-based): chr1:12,244,366, A>G. VCF-style: chr1-12244366-A-G. GRCh37 (hg19) VCF-style: chr1-12304423-A-G.
Other names: c.296A>G, p.Asp99Gly (NM_018156.4); short protein forms D99G.
Identifiers: ClinVar variation 1928326 (VCV001928326.5), dbSNP rs1267012436, ClinGen allele CA338475568.
Genomic context (GRCh38, chr1:12,244,366, plus strand): 5'-TGATCTCCATCTCCAGCCTTCACTTAATTGGAGCCCCAGAGAAAATACAGGATTTCAATG[A>G]TGAAAAGGAGAAGCTGTTGGAAAGGGAACGTAAGAAAGCACTACTTCAAGCCCTGGAGGA-3'
Protein context (NP_056193.2, residues 89-109): GAPEKIQDFN[Asp99Gly]EKEKLLERER

ClinVar aggregate classification (germline): Uncertain significance (1 of 4 stars; one submission).

Allele frequency attached by ClinVar (database versions not stated): gnomAD exomes below 0.00001.
gnomAD v4.1: 3 of 1,614,176 alleles (0.00019%); highest among the groups gnomAD compares: Non-Finnish European, 0.00025%; no homozygotes.

Submission:

Labcorp Genetics (formerly Invitae), Labcorp
Classification: Uncertain significance. Last evaluated: 2024-11-05. Review status: criteria provided, single submitter. Criteria: Invitae Variant Classification Sherloc (09022015). Collection method: clinical testing. Allele origin: germline.
Comment: This sequence change replaces aspartic acid, which is acidic and polar, with glycine, which is neutral and non-polar, at codon 99 of the VPS13D protein (p.Asp99Gly). This variant is present in population databases (no rsID available, gnomAD 0.0009%). This variant has not been reported in the literature in individuals affected with VPS13D-related conditions. ClinVar contains an entry for this variant (Variation ID: 1928326). Invitae Evidence Modeling of protein sequence and biophysical properties (such as structural, functional, and spatial information, amino acid conservation, physicochemical variation, residue mobility, and thermodynamic stability) indicates that this missense variant is not expected to disrupt VPS13D protein function with a negative predictive value of 80%. In summary, the available evidence is currently insufficient to determine the role of this variant in disease. Therefore, it has been classified as a Variant of Uncertain Significance.